The following is an entry in ClinVar:

ClinVar aggregate classification (germline): Conflicting classifications of pathogenicity. Review status: criteria provided, conflicting classifications (1 of 4 stars). 2 submissions from 2 submitters: Uncertain significance (1); Likely benign (1). Last evaluated 2026-01-14.

Conditions:
Inborn genetic diseases. Identifiers: MedGen C0950123, MeSH D030342.

Allele frequency attached by ClinVar (database versions not stated): gnomAD exomes below 0.00001; TOPMed below 0.00001; gnomAD 0.00001.
gnomAD v4.1: 3 of 1,613,926 alleles (0.00019%); highest among the groups gnomAD compares: African/African-American, 0.0027%; no homozygotes.

Submissions (2):

Ambry Genetics
Classification: Likely benign for Inborn genetic diseases. Last evaluated: 2026-01-14. Review status: criteria provided, single submitter. Criteria: Ambry Variant Classification Scheme 2023. Collection method: clinical testing. Allele origin: germline.

Labcorp Genetics (formerly Invitae), Labcorp
Classification: Uncertain significance. Last evaluated: 2021-10-15. Review status: criteria provided, single submitter. Criteria: Invitae Variant Classification Sherloc (09022015). Collection method: clinical testing. Allele origin: germline.
Comment: This sequence change replaces leucine with phenylalanine at codon 142 of the SAMD9 protein (p.Leu142Phe). The leucine residue is weakly conserved and there is a small physicochemical difference between leucine and phenylalanine. In summary, the available evidence is currently insufficient to determine the role of this variant in disease. Therefore, it has been classified as a Variant of Uncertain Significance. Algorithms developed to predict the effect of missense changes on protein structure and function output the following: SIFT: "Tolerated"; PolyPhen-2: "Benign"; Align-GVGD: "Class C0". The phenylalanine amino acid residue is found in multiple mammalian species, which suggests that this missense change does not adversely affect protein function. This variant has not been reported in the literature in individuals affected with SAMD9-related conditions. This variant is not present in population databases (ExAC no frequency).

NM_017654.4(SAMD9):c.424C>T (p.Leu142Phe)

Gene: SAMD9 (sterile alpha motif domain containing 9; minus strand). Cytogenetic location: 7q21.2.
Variant type: single nucleotide variant.
Coding change: c.424C>T on transcript NM_017654.4 (MANE Select); coding-DNA position 424, C replaced by T.
Protein change: p.Leu142Phe; replaces leucine 142 with phenylalanine.
Molecular consequence: missense variant.
Genome position (GRCh38, 1-based): chr7:93,105,674, G>A on the plus strand (C>T on the coding strand, the complement: SAMD9 is on the minus strand). VCF-style: chr7-93105674-G-A. GRCh37 (hg19) VCF-style: chr7-92734987-G-A.
Other names: c.424C>T, p.Leu142Phe (NM_001193307.2); c.424C>T (NM_017654.3); short protein forms L142F.
Identifiers: ClinVar variation 1525679 (VCV001525679.7), dbSNP rs1791627042, ClinGen allele CA368205237.
Genomic context (GRCh38, chr7:93,105,674, plus strand): 5'-CACATGTCAGGTCTATGGATGGTTGCCTTTCCTTTGTATAATCTATTTTATCTTCTATGA[G>A]CTCAACTTTTAGTGACTTAGAACCTTTAGCAGTTGTACTCATTGCAGACGGATTAGCCAT-3'
Protein context (NP_060124.2, residues 132-152): AKGSKSLKVE[Leu142Phe]IEDKIDYTKE